The following is an entry in ClinVar:

NM_001035235.4(SRA1):c.297G>A (p.Met99Ile)

Gene: SRA1 (steroid receptor RNA activator 1; minus strand). Cytogenetic location: 5q31.3.
Variant type: single nucleotide variant.
Coding change: c.297G>A on transcript NM_001035235.4 (MANE Select); coding-DNA position 297, G replaced by A.
Protein change: p.Met99Ile; replaces methionine 99 with isoleucine.
Molecular consequence: missense variant. On other transcripts: non-coding transcript variant (2), intron variant (1).
Genome position (GRCh38, 1-based): chr5:140,552,039, C>T on the plus strand (G>A on the coding strand, the complement: SRA1 is on the minus strand). VCF-style: chr5-140552039-C-T. GRCh37 (hg19) VCF-style: chr5-139931624-C-T.
Other names: c.307-870G>A (NM_001253764.2); short protein forms M99I.
Identifiers: ClinVar variation 3449192 (VCV003449192.3).

ClinVar aggregate classification (germline): Uncertain significance. Review status: criteria provided, multiple submitters, no conflicts (2 of 4 stars). 2 submissions from 2 submitters: Uncertain significance (2). Last evaluated 2024-08-31.

gnomAD v4.1: 369 of 1,586,508 alleles (0.023%); highest among the groups gnomAD compares: Non-Finnish European, 0.031%; no homozygotes.

Submissions (2):

Labcorp Genetics (formerly Invitae), Labcorp
Classification: Uncertain significance. Last evaluated: 2024-08-31. Review status: criteria provided, single submitter. Criteria: Invitae Variant Classification Sherloc (09022015). Collection method: clinical testing. Allele origin: germline.
Comment: This sequence change replaces methionine, which is neutral and non-polar, with isoleucine, which is neutral and non-polar, at codon 111 of the SRA1 protein (p.Met111Ile). This variant is present in population databases (rs779689351, gnomAD 0.004%). This variant has not been reported in the literature in individuals affected with SRA1-related conditions. An algorithm developed to predict the effect of missense changes on protein structure and function (PolyPhen-2) suggests that this variant is likely to be tolerated. In summary, the available evidence is currently insufficient to determine the role of this variant in disease. Therefore, it has been classified as a Variant of Uncertain Significance.

Ambry Genetics
Classification: Uncertain significance. Last evaluated: 2024-07-06. Review status: criteria provided, single submitter. Criteria: Ambry Variant Classification Scheme 2023. Collection method: clinical testing. Allele origin: germline.